The following is an entry in ClinVar:

NM_182961.4(SYNE1):c.10051A>T (p.Thr3351Ser)

Gene: SYNE1 (spectrin repeat containing nuclear envelope protein 1; minus strand). Cytogenetic location: 6q25.2.
Variant type: single nucleotide variant.
Coding change: c.10051A>T on transcript NM_182961.4 (MANE Select); coding-DNA position 10051, A replaced by T.
Protein change: p.Thr3351Ser; replaces threonine 3351 with serine.
Molecular consequence: missense variant.
Genome position (GRCh38, 1-based): chr6:152,364,941, T>A on the plus strand (A>T on the coding strand, the complement: SYNE1 is on the minus strand). VCF-style: chr6-152364941-T-A. GRCh37 (hg19) VCF-style: chr6-152686076-T-A.
Other names: c.10072A>T, p.Thr3358Ser (NM_033071.5); short protein forms T3351S, T3358S.
Identifiers: ClinVar variation 1507418 (VCV001507418.6), dbSNP rs2097039682, ClinGen allele CA366132974.

ClinVar aggregate classification (germline): Uncertain significance (1 of 4 stars; one submission).

Conditions:
Autosomal recessive ataxia, Beauce type. Also called: SYNE1-Related Autosomal Recessive Cerebellar Ataxia; Spinocerebellar ataxia, autosomal recessive 8; ATAXIA, RECESSIVE, OF BEAUCE; SYNE1 Deficiency. Identifiers: Orphanet 88644, MedGen C1853116, MONDO:0012549, OMIM 610743.
Emery-Dreifuss muscular dystrophy 4, autosomal dominant (EDMD4). Also called: EMERY-DREIFUSS MUSCULAR DYSTROPHY 4 WITH VARIABLE FEATURES. Identifiers: Orphanet 261, MedGen C2751807, MONDO:0013071, OMIM 612998.

Submission:

Labcorp Genetics (formerly Invitae), Labcorp
Classification: Uncertain significance for Emery-Dreifuss muscular dystrophy 4, autosomal dominant; Autosomal recessive ataxia, Beauce type. Last evaluated: 2021-12-10. Review status: criteria provided, single submitter. Criteria: Invitae Variant Classification Sherloc (09022015). Collection method: clinical testing. Allele origin: germline.
Comment: This sequence change replaces threonine, which is neutral and polar, with serine, which is neutral and polar, at codon 3358 of the SYNE1 protein (p.Thr3358Ser). This variant is not present in population databases (gnomAD no frequency). This variant has not been reported in the literature in individuals affected with SYNE1-related conditions. Algorithms developed to predict the effect of missense changes on protein structure and function are either unavailable or do not agree on the potential impact of this missense change (SIFT: "Deleterious"; PolyPhen-2: "Benign"; Align-GVGD: "Class C55"). In summary, the available evidence is currently insufficient to determine the role of this variant in disease. Therefore, it has been classified as a Variant of Uncertain Significance.